The following is an entry in ClinVar:

ClinVar aggregate classification (germline): other (0 of 4 stars; one submission).

Conditions:
Familial colorectal cancer. Identifiers: MedGen CN280943, MONDO:0023113. Disease mechanism: loss of function.

Submission:

Systems Biology Platform Zhejiang California International NanoSystems Institute
Classification: other for Familial colorectal cancer. Review status: no assertion criteria provided. Collection method: not provided. Allele origin: unknown.
ClinVar note: Converted during submission from cancer to other.

NM_000038.6(APC):c.-18-5318G>C

Gene: APC (APC regulator of WNT signaling pathway; plus strand). Cytogenetic location: 5q22.2.
Variant type: single nucleotide variant.
Coding change: c.-18-5318G>C on transcript NM_000038.6 (MANE Select); 5318 bases into the intron before 18 bases upstream of the start codon, G replaced by C.
Molecular consequence: intron variant.
Genome position (GRCh38, 1-based): chr5:112,749,555, G>C. VCF-style: chr5-112749555-G-C. GRCh37 (hg19) VCF-style: chr5-112085252-G-C.
Other names: c.-18-5318G>C (NM_001354895.2, NM_001127510.3, NM_001354896.2 and 2 more transcripts); c.166-16771G>C (NM_001354897.2, NM_001354902.2, NM_001127511.3); c.60+11095G>C (NM_001354898.2, NM_001354904.2); c.-1053-5318G>C (NM_001354906.2); c.-43+11630G>C (NM_001354900.2, NM_001354901.2, NM_001354905.2).
Identifiers: ClinVar variation 82792 (VCV000082792.2), dbSNP rs75448677, ClinGen allele CA006137.